The following is an entry in ClinVar:

ClinVar aggregate classification (germline): Likely benign (1 of 4 stars; one submission).

Allele frequency attached by ClinVar (database versions not stated): gnomAD exomes below 0.00001.
gnomAD v4.1: 1 of 1,613,820 alleles (0.000062%); highest among the groups gnomAD compares: African/African-American, 0.0013%; no homozygotes.

Submission:

GeneDx
Classification: Likely benign. Last evaluated: 2017-08-15. Review status: criteria provided, single submitter. Criteria: GeneDx Variant Classification (06012015). Collection method: clinical testing. Allele origin: germline. Affected: yes.
Comment: This variant is considered likely benign or benign based on one or more of the following criteria: it is a conservative change, it occurs at a poorly conserved position in the protein, it is predicted to be benign by multiple in silico algorithms, and/or has population frequency not consistent with disease.

NM_001035.3(RYR2):c.4110T>C (p.Phe1370=)

Genes: RYR2 (ryanodine receptor 2; plus strand), LOC126806067 (BRD4-independent group 4 enhancer GRCh37_chr1:237753258-237754457; plus strand). Cytogenetic location: 1q43.
Variant type: single nucleotide variant.
Coding change: c.4110T>C on transcript NM_001035.3 (MANE Select); coding-DNA position 4110, T replaced by C.
Protein change: p.Phe1370=; no amino-acid change (phenylalanine 1370 retained).
Molecular consequence: synonymous variant.
Genome position (GRCh38, 1-based): chr1:237,590,942, T>C. VCF-style: chr1-237590942-T-C. GRCh37 (hg19) VCF-style: chr1-237754242-T-C.
Other names: c.4110T>C, p.Phe1370= (LRG_402t1).
Identifiers: ClinVar variation 511381 (VCV000511381.1), dbSNP rs1307182609, ClinGen allele CA424030931.